The following is an entry in ClinVar:

NM_001039141.3(TRIOBP):c.1342C>T (p.Arg448Ter)

Gene: TRIOBP (TRIO and F-actin binding protein; plus strand). Cytogenetic location: 22q13.1.
Variant type: single nucleotide variant.
Coding change: c.1342C>T on transcript NM_001039141.3 (MANE Select); coding-DNA position 1342, C replaced by T.
Protein change: p.Arg448Ter; replaces arginine 448 with a stop codon.
Molecular consequence: nonsense.
Genome position (GRCh38, 1-based): chr22:37,723,898, C>T. VCF-style: chr22-37723898-C-T. GRCh37 (hg19) VCF-style: chr22-38119905-C-T.
Other names: short protein forms R448*.
Identifiers: ClinVar variation 1185086 (VCV001185086.4), dbSNP rs773152243, ClinGen allele CA10223581.
Genomic context (GRCh38, chr22:37,723,898, plus strand): 5'-CCCAGAACATCCTGCGCCCAGCGGGACAATCCCAGAGCCTCCTCTCCCAGTAGAGCTACA[C>T]GAGACAACCCCACAACATCCTGTGCCCAGCGGGACAATCCCAGAGCCTCCAGAACCTCCT-3'

ClinVar aggregate classification (germline): Pathogenic. Review status: criteria provided, multiple submitters, no conflicts (2 of 4 stars). 3 submissions from 3 submitters: Pathogenic (2). 1 of the submissions does not count toward it. Last evaluated 2025-03-17.

Conditions:
Autosomal recessive nonsyndromic hearing loss 28. Identifiers: Orphanet 90636, MedGen C1853276, MONDO:0012355, OMIM 609823.

Allele frequency attached by ClinVar (database versions not stated): gnomAD exomes below 0.00001 and 0.00001; ExAC 0.00002.

Submissions (3):

Variantyx, Inc.
Classification: Pathogenic for Autosomal recessive nonsyndromic hearing loss 28. Last evaluated: 2025-03-17. Review status: criteria provided, single submitter. Criteria: Variantyx Assertion Criteria 2022. Collection method: clinical testing. Allele origin: paternal.
Comment: This is a nonsense variant in the TRIOBP gene (OMIM: 609761). Pathogenic variants in this gene have been associated with autosomal recessive deafness 28. This variant introduces a premature termination codon in exon 7 out of 24. It is expected to result in loss of function, which is a known disease mechanism for TRIOBP in this disorder (PMID: 16385457, 16385458) (PVS1). This variant has been identified in the homozygous or compound heterozygous state in at least 2 individual(s) from the published literature (PMID: 32487028) (PM3_Supporting). This variant has a 0.0028% maximum allele frequency in non-founder control populations (PM2_Supporting). Based on the current evidence, this variant is classified as pathogenic for autosomal recessive deafness 28.

Dr.Nikuei Genetic Center
Classification: Pathogenic for Autosomal recessive nonsyndromic hearing loss 28. Review status: criteria provided, single submitter. Criteria: ACMG Guidelines, 2015. Collection method: clinical testing. Allele origin: germline. Inheritance: Autosomal recessive inheritance. Affected: yes.

WangQJ Lab, Chinese People's Liberation Army General Hospital
Classification: Likely pathogenic for Autosomal recessive nonsyndromic hearing loss 28. Last evaluated: 2021-07-01. Review status: no assertion criteria provided. Collection method: clinical testing. Allele origin: maternal. Affected: yes. Not counted in ClinVar's aggregate classification.